The following is an entry in ClinVar:

ClinVar aggregate classification (germline): Likely pathogenic (1 of 4 stars; one submission).

Submission:

CeGaT Center for Human Genetics Tuebingen
Classification: Likely pathogenic. Last evaluated: 2022-08-01. Review status: criteria provided, single submitter. Criteria: CeGaT Center For Human Genetics Tuebingen Variant Classification Criteria Version 2. Collection method: clinical testing. Allele origin: germline. Affected: yes. Observed: 1 variant allele.
Comment: NFIX: PS2, PM2, PP2, PP3

NM_001365902.3(NFIX):c.421C>A (p.Pro141Thr)

Gene: NFIX (nuclear factor I X; plus strand). Cytogenetic location: 19p13.13.
Variant type: single nucleotide variant.
Coding change: c.421C>A on transcript NM_001365902.3 (MANE Select); coding-DNA position 421, C replaced by A.
Protein change: p.Pro141Thr; replaces proline 141 with threonine.
Molecular consequence: missense variant.
Genome position (GRCh38, 1-based): chr19:13,025,414, C>A. VCF-style: chr19-13025414-C-A. GRCh37 (hg19) VCF-style: chr19-13136228-C-A.
Other names: c.445C>A, p.Pro149Thr (NM_001271043.2); c.397C>A, p.Pro133Thr (NM_001271044.3, NM_001378404.1); c.421C>A, p.Pro141Thr (NM_001365982.2, NM_002501.4); c.280C>A, p.Pro94Thr (NM_001365983.2); c.418C>A, p.Pro140Thr (NM_001365984.2, NM_001365985.2); c.469C>A, p.Pro157Thr (NM_001378405.1); short protein forms P133T, P140T, P141T, P149T, P157T, P94T.
Identifiers: ClinVar variation 1711463 (VCV001711463.30), dbSNP rs2512746482, ClinGen allele CA404315114.